The following is an entry in ClinVar:

ClinVar aggregate classification (germline): Uncertain significance (1 of 4 stars; one submission).

Conditions:
Juvenile polyposis syndrome (JPS). Identifiers: Orphanet 2929, MedGen C0345893, MONDO:0017380, OMIM 174900.

Submission:

Labcorp Genetics (formerly Invitae), Labcorp
Classification: Uncertain significance for Juvenile polyposis syndrome. Last evaluated: 2025-05-08. Review status: criteria provided, single submitter. Criteria: Invitae Variant Classification Sherloc (09022015). Collection method: clinical testing. Allele origin: germline.
Comment: This sequence change replaces histidine, which is basic and polar, with aspartic acid, which is acidic and polar, at codon 421 of the BMPR1A protein (p.His421Asp). This variant is not present in population databases (gnomAD no frequency). This variant has not been reported in the literature in individuals affected with BMPR1A-related conditions. Invitae Evidence Modeling of protein sequence and biophysical properties (such as structural, functional, and spatial information, amino acid conservation, physicochemical variation, residue mobility, and thermodynamic stability) indicates that this missense variant is not expected to disrupt BMPR1A protein function with a negative predictive value of 80%. In summary, the available evidence is currently insufficient to determine the role of this variant in disease. Therefore, it has been classified as a Variant of Uncertain Significance.

NM_004329.3(BMPR1A):c.1261C>G (p.His421Asp)

Gene: BMPR1A (bone morphogenetic protein receptor type 1A; plus strand). Cytogenetic location: 10q23.2.
Variant type: single nucleotide variant.
Coding change: c.1261C>G on transcript NM_004329.3 (MANE Select); coding-DNA position 1261, C replaced by G.
Protein change: p.His421Asp; replaces histidine 421 with aspartic acid.
Molecular consequence: missense variant. On other transcripts: non-coding transcript variant (3).
Genome position (GRCh38, 1-based): chr10:86,921,614, C>G. VCF-style: chr10-86921614-C-G. GRCh37 (hg19) VCF-style: chr10-88681371-C-G.
Other names: c.1261C>G, p.His421Asp (NM_001406582.1, NM_001406577.1, NM_001406578.1 and 19 more transcripts); c.1255C>G, p.His419Asp (NM_001406583.1); c.1177C>G, p.His393Asp (NM_001406584.1, NM_001406585.1, NM_001406586.1 and 2 more transcripts); c.919C>G, p.His307Asp (NM_001406589.1); c.1336C>G, p.His446Asp (NM_001406559.1); c.1309C>G, p.His437Asp (NM_001406560.1); short protein forms H307D, H421D, H393D, H446D, H419D, H437D.
Identifiers: ClinVar variation 4717831 (VCV004717831.1).